The following is an entry in ClinVar:

NM_000875.5(IGF1R):c.2924C>T (p.Ser975Phe)

Gene: IGF1R (insulin like growth factor 1 receptor; plus strand). Cytogenetic location: 15q26.3.
Variant type: single nucleotide variant.
Coding change: c.2924C>T on transcript NM_000875.5 (MANE Select); coding-DNA position 2924, C replaced by T.
Protein change: p.Ser975Phe; replaces serine 975 with phenylalanine.
Molecular consequence: missense variant.
Genome position (GRCh38, 1-based): chr15:98,930,273, C>T. VCF-style: chr15-98930273-C-T. GRCh37 (hg19) VCF-style: chr15-99473502-C-T.
Other names: c.2921C>T, p.Ser974Phe (NM_001291858.2); short protein forms S974F, S975F.
Identifiers: ClinVar variation 3765950 (VCV003765950.2).

ClinVar aggregate classification (germline): Uncertain significance (1 of 4 stars; one submission).

Submission:

GeneDx
Classification: Uncertain significance. Last evaluated: 2026-03-18. Review status: criteria provided, single submitter. Criteria: GeneDx Variant Classification Process June 2021. Collection method: clinical testing. Allele origin: germline.
Comment: Not observed at significant frequency in large population cohorts (gnomAD); In silico analysis supports that this missense variant has a deleterious effect on protein structure/function; Has not been previously published as pathogenic or benign to our knowledge